The following is an entry in ClinVar:

ClinVar aggregate classification (germline): Pathogenic. Review status: criteria provided, single submitter (1 of 4 stars). 2 submissions from 2 submitters: Pathogenic (1). 1 of the submissions does not count toward it. Last evaluated 2023-08-22.

Conditions:
Myofibrillar myopathy 8. Identifiers: MedGen C4310645, MONDO:0014993, OMIM 617258.

Allele frequency attached by ClinVar (database versions not stated): TOPMed below 0.00001; gnomAD 0.00001; gnomAD exomes 0.00002 and 0.00004.
gnomAD v4.1: 68 of 1,612,770 alleles (0.0042%); highest among the groups gnomAD compares: Non-Finnish European, 0.0053%; no homozygotes.

Submissions (2):

Labcorp Genetics (formerly Invitae), Labcorp
Classification: Pathogenic. Last evaluated: 2023-08-22. Review status: criteria provided, single submitter. Criteria: Invitae Variant Classification Sherloc (09022015). Collection method: clinical testing. Allele origin: germline.
Comment: Variants that disrupt the consensus splice site are a relatively common cause of aberrant splicing (PMID: 17576681, 9536098). Experimental studies have shown that this missense change affects PYROXD1 function (PMID: 27745833). An algorithm developed to predict the effect of missense changes on protein structure and function (PolyPhen-2) suggests that this variant is likely to be disruptive. ClinVar contains an entry for this variant (Variation ID: 372279). This missense change has been observed in individual(s) with autosomal recessive PYROXD1-related conditions (PMID: 27745833). In at least one individual the data is consistent with being in trans (on the opposite chromosome) from a pathogenic variant. It has also been observed to segregate with disease in related individuals. This variant is present in population databases (rs755208949, gnomAD 0.004%). This sequence change replaces glutamine, which is neutral and polar, with histidine, which is basic and polar, at codon 372 of the PYROXD1 protein (p.Gln372His). This variant also falls at the last nucleotide of exon 10, which is part of the consensus splice site for this exon. For these reasons, this variant has been classified as Pathogenic.

OMIM
Classification: Pathogenic for MYOPATHY, MYOFIBRILLAR, 8. Last evaluated: 2016-12-19. Review status: no assertion criteria provided. Collection method: literature only. Allele origin: germline. Not counted in ClinVar's aggregate classification.

Literature cited by the submitters: PubMed 17576681 (cited by Labcorp Genetics (formerly Invitae), Labcorp); PubMed 9536098 (cited by Labcorp Genetics (formerly Invitae), Labcorp); PubMed 27745833 (cited by Labcorp Genetics (formerly Invitae), Labcorp and OMIM).

NM_024854.5(PYROXD1):c.1116G>C (p.Gln372His)

Gene: PYROXD1 (pyridine nucleotide-disulphide oxidoreductase domain 1; plus strand). Cytogenetic location: 12p12.1.
Variant type: single nucleotide variant.
Coding change: c.1116G>C on transcript NM_024854.5 (MANE Select); coding-DNA position 1116, G replaced by C.
Protein change: p.Gln372His; replaces glutamine 372 with histidine.
Molecular consequence: missense variant.
Genome position (GRCh38, 1-based): chr12:21,462,862, G>C. VCF-style: chr12-21462862-G-C. GRCh37 (hg19) VCF-style: chr12-21615796-G-C.
Other names: c.903G>C, p.Gln301His (NM_001350912.2); c.339G>C, p.Gln113His (NM_001350913.2); short protein forms Q372H, Q301H, Q113H.
Identifiers: ClinVar variation 372279 (VCV000372279.5), dbSNP rs755208949, ClinGen allele CA16042280.